The following is an entry in ClinVar:

ClinVar aggregate classification (germline): Likely pathogenic (1 of 4 stars; one submission).

Conditions:
Pyridoxine-dependent epilepsy (EPEO4). Also called: PYRIDOXINE DEPENDENCY WITH SEIZURES; Pyridoxine-Dependent Seizures; Pyridoxine-Dependent Epilepsy - ALDH7A1; EPILEPSY, EARLY-ONSET, 4, VITAMIN B6-DEPENDENT. Identifiers: Orphanet 3006, MedGen C1849508, MONDO:0009945, OMIM 266100. Disease mechanism: loss of function.

Submission:

Cytogenetique et Genetique Moleculaire, CHU Besancon
Classification: Likely pathogenic for Pyridoxine-dependent epilepsy. Last evaluated: 2022-07-12. Review status: criteria provided, single submitter. Criteria: Submitter's publication. Collection method: clinical testing. Allele origin: paternal. Inheritance: Autosomal recessive inheritance. Affected: yes. Observed: 1 variant allele.

Literature cited by the submitters: PubMed 17088338.

NM_001182.5(ALDH7A1):c.697ATA[3] (p.Ile234_Ala235insIle)

Gene: ALDH7A1 (aldehyde dehydrogenase 7 family member A1; minus strand). Cytogenetic location: 5q23.2.
Variant type: Microsatellite.
Coding change: c.697ATA[3] on transcript NM_001182.5 (MANE Select); three copies in a row of the 3-base unit ATA starting at c.697; the reference has two copies in a row; one copy, 3 bases duplicated.
Protein change: p.Ile234_Ala235insIle.
Molecular consequence: inframe insertion.
Genome position (GRCh38, 1-based): chr5:126,570,853-126,570,855, TAT duplicated on the plus strand (ATA on the coding strand, the reverse complement: ALDH7A1 is on the minus strand); duplicating any 3 consecutive bases within chr5:126,570,853-126,570,858 gives the same sequence; the position shown is the placement nearest the transcript's 3' end. VCF-style (leftmost placement, unchanged base first): chr5-126570852-C-CTAT. GRCh37 (hg19) VCF-style: chr5-125906544-C-CTAT.
Other names: c.613ATA[3], p.Ile206_Ala207insIle (NM_001201377.2); c.697ATA[3], p.Ile234_Ala235insIle (NM_001202404.2).
Identifiers: ClinVar variation 1806447 (VCV001806447.2), dbSNP rs2480304763, ClinGen allele CA2580617962.